The following is an entry in ClinVar:

ClinVar aggregate classification (germline): Likely benign. Review status: criteria provided, multiple submitters, no conflicts (2 of 4 stars). 3 submissions from 3 submitters: Likely benign (2). 1 of the submissions does not count toward it. Last evaluated 2024-04-22.

Conditions:
BRCA2-related cancer predisposition. Identifiers: MedGen CN377758, MONDO:0700269.
Hereditary breast ovarian cancer syndrome. Also called: Hereditary breast and ovarian cancer syndrome (HBOC); Breast and ovarian cancer; BRCA1- and BRCA2-Associated Hereditary Breast and Ovarian Cancer; Hereditary breast and/or ovarian cancer syndrome; Hereditary breast and ovarian cancer; Hereditary breast and ovarian cancer syndrome. Identifiers: Orphanet 145, MedGen C0677776, MeSH D061325, MONDO:0003582. Disease mechanism: loss of function.
Malignant tumor of breast. Also called: Malignant breast neoplasm; Cancer breast. Identifiers: MedGen C0006142, MONDO:0007254. Disease mechanism: loss of function.

Allele frequency attached by ClinVar (database versions not stated): gnomAD exomes below 0.00001.
gnomAD v4.1: 1 of 1,614,038 alleles (0.000062%); highest among the groups gnomAD compares: Non-Finnish European, 0.000085%; no homozygotes.

Submissions (3):

Labcorp Genetics (formerly Invitae), Labcorp
Classification: Likely benign for Hereditary breast ovarian cancer syndrome. Last evaluated: 2024-04-22. Review status: criteria provided, single submitter. Criteria: Invitae Variant Classification Sherloc (09022015). Collection method: clinical testing. Allele origin: germline.

All of Us Research Program, National Institutes of Health
Classification: Likely benign for BRCA2-related cancer predisposition. Last evaluated: 2024-03-24. Review status: criteria provided, single submitter. Criteria: ACMG Guidelines, 2015. Collection method: clinical testing. Allele origin: germline. Inheritance: Autosomal dominant inheritance. Observed: 1 variant allele, 1 heterozygote.
Comment: This study involves interpretation of variants in research participants for the purpose of population health screening. Participant phenotype was not available at the time of variant classification. Additional details can be found in publication PMID: 35346344, PMCID: PMC8962531

Department of Pathology and Laboratory Medicine, Sinai Health System
Classification: Uncertain significance for Malignant tumor of breast. Review status: no assertion criteria provided. Collection method: clinical testing. Allele origin: unknown. Affected: yes. Study: The Canadian Open Genetics Repository (COGR). Not counted in ClinVar's aggregate classification.
Comment: BRCA2, EXON11, c.2244C>T, p.Tyr748=, Heterozygous, Uncertain Significance The BRCA2 p.Tyr748= variant was not identified in the literature nor was it identified in the dbSNP, ClinVar, Cosmic, MutDB, LOVD 3.0, UMD-LSDB, BIC Database, Zhejiang Colon Cancer databases. The variant was not identified in the following control databases: 1000 Genomes Project, the NHLBI GO Exome Sequencing Project or the Exome Aggregation Consortium (August 8th 2016) or the genome aggregation Database (Feb 27, 2017). The p.Tyr748= variant is not expected to have clinical significance because it does not result in a change of amino acid. In addition, in silico or computational prediction software programs (SpliceSiteFinder, MaxEntScan, NNSPLICE, GeneSplicer, HumanSpliceFinder) do not predict a difference in splicing. In summary, based on the above information the clinical significance of this variant cannot be determined with certainty at this time although we would lean towards a more benign role for this variant. This variant is classified as a variant of uncertain significance.

NM_000059.4(BRCA2):c.2244C>T (p.Tyr748=)

Gene: BRCA2 (BRCA2 DNA repair associated; plus strand). Cytogenetic location: 13q13.1.
Variant type: single nucleotide variant.
Coding change: c.2244C>T on transcript NM_000059.4 (MANE Select); coding-DNA position 2244, C replaced by T.
Protein change: p.Tyr748=; no amino-acid change (tyrosine 748 retained).
Molecular consequence: synonymous variant.
Genome position (GRCh38, 1-based): chr13:32,336,599, C>T. VCF-style: chr13-32336599-C-T. GRCh37 (hg19) VCF-style: chr13-32910736-C-T.
Identifiers: ClinVar variation 433766 (VCV000433766.14), dbSNP rs1555282563, ClinGen allele CA483436967.